The following is an entry in ClinVar:

ClinVar aggregate classification (germline): Uncertain significance (1 of 4 stars; one submission).

Conditions:
Alzheimer disease 3 (AD3). Also called: ALZHEIMER DISEASE, FAMILIAL, 3. Identifiers: Orphanet 1020, MedGen C1843013, MONDO:0011913, OMIM 607822.
Pick disease. Also called: PICK DISEASE OF BRAIN; Pick Disease of the Brain; Pick's disease; DEMENTIA WITH LOBAR ATROPHY AND NEURONAL CYTOPLASMIC INCLUSIONS; LOBAR ATROPHY OF BRAIN. Identifiers: Orphanet 282, MedGen C0236642, MONDO:0008243, OMIM 172700.
Frontotemporal dementia (FTD1). Also called: Frontotemporal Dementia with Parkinsonism-17 (FTDP-17); Frontotemporal lobe dementia (FLDEM); WILHELMSEN-LYNCH DISEASE; Dementia, frontotemporal, with or without parkinsonism; FRONTOTEMPORAL DEMENTIA WITH PARKINSONISM; FRONTOTEMPORAL LOBE DEMENTIA. Identifiers: Orphanet 282, MedGen C0338451, MONDO:0017276, OMIM 600274, HP:0002145.
Acne inversa, familial, 3 (ACNINV3). Identifiers: MedGen C3151038, MONDO:0013398, OMIM 613737.

Submission:

Labcorp Genetics (formerly Invitae), Labcorp
Classification: Uncertain significance for Alzheimer disease, type 3; Pick disease; Acne inversa, familial, 3; Frontotemporal dementia. Last evaluated: 2019-07-05. Review status: criteria provided, single submitter. Criteria: Invitae Variant Classification Sherloc (09022015). Collection method: clinical testing. Allele origin: germline.
Comment: This sequence change replaces proline with threonine at codon 88 of the PSEN1 protein (p.Pro88Thr). The proline residue is highly conserved and there is a small physicochemical difference between proline and threonine. This variant is not present in population databases (ExAC no frequency). This variant has not been reported in the literature in individuals with PSEN1-related conditions. Algorithms developed to predict the effect of missense changes on protein structure and function (SIFT, PolyPhen-2, Align-GVGD) all suggest that this variant is likely to be disruptive, but these predictions have not been confirmed by published functional studies and their clinical significance is uncertain. This variant disrupts the p.Pro88 amino acid residue in PSEN1. Other variant(s) that disrupt this residue have been observed in individuals with PSEN1-related conditions (PMID:28550247, 28350801), which suggests that this may be a clinically significant amino acid residue. In summary, the available evidence is currently insufficient to determine the role of this variant in disease. Therefore, it has been classified as a Variant of Uncertain Significance.

Literature cited by the submitters: PubMed 28350801; PubMed 28550247.

NM_000021.4(PSEN1):c.262C>A (p.Pro88Thr)

Gene: PSEN1 (presenilin 1; plus strand). Cytogenetic location: 14q24.2.
Variant type: single nucleotide variant.
Coding change: c.262C>A on transcript NM_000021.4 (MANE Select); coding-DNA position 262, C replaced by A.
Protein change: p.Pro88Thr; replaces proline 88 with threonine.
Molecular consequence: missense variant.
Genome position (GRCh38, 1-based): chr14:73,170,971, C>A. VCF-style: chr14-73170971-C-A. GRCh37 (hg19) VCF-style: chr14-73637679-C-A.
Other names: c.250C>A, p.Pro84Thr (NM_007318.3); short protein forms P84T, P88T.
Identifiers: ClinVar variation 938776 (VCV000938776.1), dbSNP rs1897874234, ClinGen allele CA390303294.